The following is an entry in ClinVar:

ClinVar aggregate classification (germline): Pathogenic/Likely pathogenic. Review status: criteria provided, multiple submitters, no conflicts (2 of 4 stars). 5 submissions from 5 submitters: Pathogenic (1); Likely pathogenic (3). 1 of the submissions does not count toward it. Last evaluated 2025-07-02.

Conditions:
LAMA2-related muscular dystrophy (LAMA2-RD). Also called: Laminin alpha 2-related dystrophy. Identifiers: MedGen C5679788, MONDO:0100228.
Merosin deficient congenital muscular dystrophy (MDC1A). Also called: Congenital merosin-deficient muscular dystrophy 1A; Congenital Muscular Dystrophy Type 1A (MDC1A). Identifiers: Orphanet 258, MedGen C1263858, MONDO:0011925, OMIM 607855.
Muscular dystrophy, limb-girdle, autosomal recessive 23. Identifiers: Orphanet 565837, MedGen C4748327, MONDO:0029136, OMIM 618138.
LAMA2-related disorder. Also called: LAMA2-related disorders; LAMA2-related condition.

Allele frequency attached by ClinVar (database versions not stated): gnomAD exomes below 0.00001; gnomAD 0.00001; TOPMed 0.00001.
gnomAD v4.1: 16 of 1,585,664 alleles (0.001%); highest among the groups gnomAD compares: Non-Finnish European, 0.0014%; no homozygotes.

Submissions (5):

Labcorp Genetics (formerly Invitae), Labcorp
Classification: Likely pathogenic for LAMA2-related muscular dystrophy. Last evaluated: 2025-07-02. Review status: criteria provided, single submitter. Criteria: Invitae Variant Classification Sherloc (09022015). Collection method: clinical testing. Allele origin: germline.
Comment: This sequence change affects a donor splice site in intron 16 of the LAMA2 gene. It is expected to disrupt RNA splicing. Variants that disrupt the donor or acceptor splice site typically lead to a loss of protein function (PMID: 16199547), and loss-of-function variants in LAMA2 are known to be pathogenic (PMID: 18700894, 32904964). This variant is present in population databases (no rsID available, gnomAD 0.0009%). This variant has not been reported in the literature in individuals affected with LAMA2-related conditions. ClinVar contains an entry for this variant (Variation ID: 554048). Algorithms developed to predict the effect of sequence changes on RNA splicing suggest that this variant may disrupt the consensus splice site. In summary, the currently available evidence indicates that the variant is pathogenic, but additional data are needed to prove that conclusively. Therefore, this variant has been classified as Likely Pathogenic.

Fulgent Genetics
Classification: Likely pathogenic for Merosin deficient congenital muscular dystrophy; Muscular dystrophy, limb-girdle, autosomal recessive 23. Last evaluated: 2024-03-20. Review status: criteria provided, single submitter. Criteria: ACMG Guidelines, 2015. Collection method: clinical testing. Allele origin: germline.

Blueprint Genetics
Classification: Likely pathogenic for LAMA2-related disorders. Last evaluated: 2023-08-14. Review status: criteria provided, single submitter. Criteria: ACMG Guidelines, 2015. Collection method: clinical testing. Allele origin: germline. Affected: yes. Observed: 5 variant alleles.

Revvity Omics, Revvity
Classification: Pathogenic. Last evaluated: 2019-08-19. Review status: criteria provided, single submitter. Criteria: ACMG Guidelines, 2015. Collection method: clinical testing. Allele origin: germline.

Counsyl
Classification: Likely pathogenic for Merosin deficient congenital muscular dystrophy. Last evaluated: 2017-09-25. Review status: no assertion criteria provided. Collection method: clinical testing. Allele origin: unknown. Not counted in ClinVar's aggregate classification.

Literature cited by the submitters: PubMed 16199547 (cited by Labcorp Genetics (formerly Invitae), Labcorp); PubMed 18700894 (cited by Labcorp Genetics (formerly Invitae), Labcorp); PubMed 32904964 (cited by Labcorp Genetics (formerly Invitae), Labcorp).

NM_000426.4(LAMA2):c.2322+1G>C

Gene: LAMA2 (laminin subunit alpha 2; plus strand). Cytogenetic location: 6q22.33.
Variant type: single nucleotide variant.
Coding change: c.2322+1G>C on transcript NM_000426.4 (MANE Select); the canonical splice donor site of the intron after coding-DNA position 2322, G replaced by C.
Molecular consequence: splice donor variant.
Genome position (GRCh38, 1-based): chr6:129,267,220, G>C. VCF-style: chr6-129267220-G-C. GRCh37 (hg19) VCF-style: chr6-129588365-G-C.
Other names: c.2322+1G>C (NM_001079823.2).
Identifiers: ClinVar variation 554048 (VCV000554048.14), dbSNP rs945091158, ClinGen allele CA146879481.